The following is an entry in ClinVar:

NM_198428.3(BBS9):c.2534C>G (p.Thr845Arg)

Gene: BBS9 (Bardet-Biedl syndrome 9; plus strand). Cytogenetic location: 7p14.3.
Variant type: single nucleotide variant.
Coding change: c.2534C>G on transcript NM_198428.3 (MANE Select); coding-DNA position 2534, C replaced by G.
Protein change: p.Thr845Arg; replaces threonine 845 with arginine.
Molecular consequence: missense variant. On other transcripts: non-coding transcript variant (3), intron variant (1).
Genome position (GRCh38, 1-based): chr7:33,604,877, C>G. VCF-style: chr7-33604877-C-G. GRCh37 (hg19) VCF-style: chr7-33644489-C-G.
Other names: c.2063C>G, p.Thr688Arg (NM_001348044.3); c.2168C>G, p.Thr723Arg (NM_001348045.3, NM_001348046.3); c.2414C>G, p.Thr805Arg (NM_014451.4, NM_001348040.3); c.2522-30300C>G (NM_001362679.1); c.2429C>G, p.Thr810Arg (NM_001033604.2); c.2519C>G, p.Thr840Arg (NM_001033605.2); c.2534C>G, p.Thr845Arg (NM_001348036.1, NM_001348041.4, NM_001348043.3); c.1985C>G, p.Thr662Arg (NM_001348037.3); and 3 more; short protein forms T662R, T688R, T719R, T723R, T754R, T800R, T805R, T810R.
Identifiers: ClinVar variation 1056978 (VCV001056978.10), dbSNP rs2129207675, ClinGen allele CA367256389.

ClinVar aggregate classification (germline): Uncertain significance (1 of 4 stars; one submission).

Conditions:
Bardet-Biedl syndrome (BBS). Identifiers: Orphanet 110, MedGen C0752166, MONDO:0015229.

Allele frequency attached by ClinVar (database versions not stated): gnomAD exomes below 0.00001.
gnomAD v4.1: 3 of 1,611,598 alleles (0.00019%); highest among the groups gnomAD compares: Non-Finnish European, 0.00025%; no homozygotes.

Submission:

Labcorp Genetics (formerly Invitae), Labcorp
Classification: Uncertain significance for Bardet-Biedl syndrome. Last evaluated: 2022-01-14. Review status: criteria provided, single submitter. Criteria: Invitae Variant Classification Sherloc (09022015). Collection method: clinical testing. Allele origin: germline.
Comment: This sequence change replaces threonine, which is neutral and polar, with arginine, which is basic and polar, at codon 845 of the BBS9 protein (p.Thr845Arg). This variant is not present in population databases (gnomAD no frequency). This variant has not been reported in the literature in individuals affected with BBS9-related conditions. ClinVar contains an entry for this variant (Variation ID: 1056978). Algorithms developed to predict the effect of missense changes on protein structure and function are either unavailable or do not agree on the potential impact of this missense change (SIFT: "Deleterious"; PolyPhen-2: "Benign"; Align-GVGD: "Class C0"). Algorithms developed to predict the effect of sequence changes on RNA splicing suggest that this variant may create or strengthen a splice site. In summary, the available evidence is currently insufficient to determine the role of this variant in disease. Therefore, it has been classified as a Variant of Uncertain Significance.